The following is an entry in ClinVar:

NM_000388.4(CASR):c.1841T>C (p.Ile614Thr)

Gene: CASR (calcium sensing receptor; plus strand). Cytogenetic location: 3q21.1.
Variant type: single nucleotide variant.
Coding change: c.1841T>C on transcript NM_000388.4 (MANE Select); coding-DNA position 1841, T replaced by C.
Protein change: p.Ile614Thr; replaces isoleucine 614 with threonine.
Molecular consequence: missense variant.
Genome position (GRCh38, 1-based): chr3:122,283,795, T>C. VCF-style: chr3-122283795-T-C. GRCh37 (hg19) VCF-style: chr3-122002642-T-C.
Other names: c.1871T>C, p.Ile624Thr (NM_001178065.2); short protein forms I614T, I624T.
Identifiers: ClinVar variation 1781174 (VCV001781174.4), dbSNP rs1046826788, ClinGen allele CA82748578.

ClinVar aggregate classification (germline): Uncertain significance. Review status: criteria provided, multiple submitters, no conflicts (2 of 4 stars). 2 submissions from 2 submitters: Uncertain significance (2). Last evaluated 2024-02-12.

Conditions:
Autosomal dominant hypocalcemia 1 (HYPOC1). Also called: HYPOCALCEMIA, FAMILIAL. Identifiers: MedGen C3715128, MONDO:0011013, OMIM 601198.
Familial hypocalciuric hypercalcemia (FHH). Also called: Familial benign hypercalcemia. Identifiers: Orphanet 405, MedGen C1809471, MONDO:0018458.
Nephrolithiasis/nephrocalcinosis. Identifiers: MedGen CN580796.

Allele frequency attached by ClinVar (database versions not stated): TOPMed below 0.00001.

Submissions (2):

Labcorp Genetics (formerly Invitae), Labcorp
Classification: Uncertain significance for Familial hypocalciuric hypercalcemia; Autosomal dominant hypocalcemia 1. Last evaluated: 2024-02-12. Review status: criteria provided, single submitter. Criteria: Invitae Variant Classification Sherloc (09022015). Collection method: clinical testing. Allele origin: germline.
Comment: This sequence change replaces isoleucine, which is neutral and non-polar, with threonine, which is neutral and polar, at codon 614 of the CASR protein (p.Ile614Thr). This variant is not present in population databases (gnomAD no frequency). This variant has not been reported in the literature in individuals affected with CASR-related conditions. ClinVar contains an entry for this variant (Variation ID: 1781174). An algorithm developed to predict the effect of missense changes on protein structure and function (PolyPhen-2) suggests that this variant is likely to be disruptive. In summary, the available evidence is currently insufficient to determine the role of this variant in disease. Therefore, it has been classified as a Variant of Uncertain Significance.

Ambry Genetics
Classification: Uncertain significance for Nephrolithiasis/nephrocalcinosis. Last evaluated: 2022-06-01. Review status: criteria provided, single submitter. Criteria: Ambry Variant Classification Scheme 2023. Collection method: clinical testing. Allele origin: germline.
Comment: The p.I614T variant (also known as c.1841T>C), located in coding exon 6 of the CASR gene, results from a T to C substitution at nucleotide position 1841. The isoleucine at codon 614 is replaced by threonine, an amino acid with similar properties. This amino acid position is conserved. In addition, this alteration is predicted to be deleterious by in silico analysis. Since supporting evidence is limited at this time, the clinical significance of this alteration remains unclear.